The following is an entry in ClinVar:

ClinVar aggregate classification (germline): Uncertain significance. Review status: criteria provided, multiple submitters, no conflicts (2 of 4 stars). 2 submissions from 2 submitters: Uncertain significance (2). Last evaluated 2024-07-30.

Conditions:
Oligodontia-cancer predisposition syndrome. Also called: TOOTH AGENESIS-COLORECTAL CANCER SYNDROME. Identifiers: Orphanet 300576, MedGen C1837750, MONDO:0012075, OMIM 608615. Disease mechanism: loss of function.
Hereditary cancer-predisposing syndrome. Also called: Tumor predisposition; Neoplastic Syndromes, Hereditary; Hereditary neoplastic syndrome; Hereditary Cancer Syndrome. Identifiers: Orphanet 140162, MedGen C0027672, MeSH D009386, MONDO:0015356.

Submissions (2):

Ambry Genetics
Classification: Uncertain significance for Hereditary cancer-predisposing syndrome. Last evaluated: 2024-07-30. Review status: criteria provided, single submitter. Criteria: Ambry Variant Classification Scheme 2023. Collection method: clinical testing. Allele origin: germline.
Comment: The p.E59D variant (also known as c.177A>C), located in coding exon 1 of the AXIN2 gene, results from an A to C substitution at nucleotide position 177. The glutamic acid at codon 59 is replaced by aspartic acid, an amino acid with highly similar properties. This amino acid position is well conserved in available vertebrate species. In addition, this alteration is predicted to be tolerated by in silico analysis. Based on the available evidence, the clinical significance of this variant remains unclear.

Labcorp Genetics (formerly Invitae), Labcorp
Classification: Uncertain significance for Oligodontia-cancer predisposition syndrome. Last evaluated: 2024-05-12. Review status: criteria provided, single submitter. Criteria: Invitae Variant Classification Sherloc (09022015). Collection method: clinical testing. Allele origin: germline.
Comment: This sequence change replaces glutamic acid, which is acidic and polar, with aspartic acid, which is acidic and polar, at codon 59 of the AXIN2 protein (p.Glu59Asp). This variant is not present in population databases (gnomAD no frequency). This variant has not been reported in the literature in individuals affected with AXIN2-related conditions. Advanced modeling of protein sequence and biophysical properties (such as structural, functional, and spatial information, amino acid conservation, physicochemical variation, residue mobility, and thermodynamic stability) performed at Invitae indicates that this missense variant is not expected to disrupt AXIN2 protein function with a negative predictive value of 80%. In summary, the available evidence is currently insufficient to determine the role of this variant in disease. Therefore, it has been classified as a Variant of Uncertain Significance.

NM_004655.4(AXIN2):c.177A>C (p.Glu59Asp)

Gene: AXIN2 (axin 2; minus strand). Cytogenetic location: 17q24.1.
Variant type: single nucleotide variant.
Coding change: c.177A>C on transcript NM_004655.4 (MANE Select); coding-DNA position 177, A replaced by C.
Protein change: p.Glu59Asp; replaces glutamic acid 59 with aspartic acid.
Molecular consequence: missense variant.
Genome position (GRCh38, 1-based): chr17:65,558,444, T>G on the plus strand (A>C on the coding strand, the complement: AXIN2 is on the minus strand). VCF-style: chr17-65558444-T-G. GRCh37 (hg19) VCF-style: chr17-63554562-T-G.
Other names: c.177A>C, p.Glu59Asp (NM_001363813.1); short protein forms E59D.
Identifiers: ClinVar variation 3470024 (VCV003470024.3).